The following is an entry in ClinVar:

NM_020297.4(ABCC9):c.3380T>C (p.Met1127Thr)

Gene: ABCC9 (ATP binding cassette subfamily C member 9; minus strand). Cytogenetic location: 12p12.1.
Variant type: single nucleotide variant.
Coding change: c.3380T>C on transcript NM_020297.4 (MANE Select); coding-DNA position 3380, T replaced by C.
Protein change: p.Met1127Thr; replaces methionine 1127 with threonine.
Molecular consequence: missense variant.
Genome position (GRCh38, 1-based): chr12:21,842,407, A>G on the plus strand (T>C on the coding strand, the complement: ABCC9 is on the minus strand). VCF-style: chr12-21842407-A-G. GRCh37 (hg19) VCF-style: chr12-21995341-A-G.
Other names: c.3380T>C, p.Met1127Thr (NM_001377273.1, NM_005691.4); c.2513T>C, p.Met838Thr (NM_001377274.1); short protein forms M838T, M1127T.
Identifiers: ClinVar variation 3718596 (VCV003718596.2).
Genomic context (GRCh38, chr12:21,842,407, plus strand): 5'-TAAAAGGCAACACCAAGGGGCAGGAGAGCAACCAGGAACACAGGAGTAGCATAAGAAATC[A>G]TCCCAATGGCAGACAGGCAGAGCAGTGTTGAGCGAGTTAGAGATTCCAAGGTTGGAGGGA-3'
Protein context (NP_064693.2, residues 1117-1137): STLLCLSAIG[Met1127Thr]ISYATPVFLV

ClinVar aggregate classification (germline): Uncertain significance (1 of 4 stars; one submission).

Conditions:
Dilated cardiomyopathy 1O (CMD1O). Also called: CARDIOMYOPATHY, DILATED, WITH VENTRICULAR TACHYCARDIA. Identifiers: Orphanet 154, MedGen C1837839, MONDO:0012062, OMIM 608569.

Submission:

Labcorp Genetics (formerly Invitae), Labcorp
Classification: Uncertain significance for Dilated cardiomyopathy 1O. Last evaluated: 2024-11-27. Review status: criteria provided, single submitter. Criteria: Invitae Variant Classification Sherloc (09022015). Collection method: clinical testing. Allele origin: germline.
Comment: This sequence change replaces methionine, which is neutral and non-polar, with threonine, which is neutral and polar, at codon 1127 of the ABCC9 protein (p.Met1127Thr). This variant is not present in population databases (gnomAD no frequency). This variant has not been reported in the literature in individuals affected with ABCC9-related conditions. Invitae Evidence Modeling of protein sequence and biophysical properties (such as structural, functional, and spatial information, amino acid conservation, physicochemical variation, residue mobility, and thermodynamic stability) indicates that this missense variant is not expected to disrupt ABCC9 protein function with a negative predictive value of 80%. In summary, the available evidence is currently insufficient to determine the role of this variant in disease. Therefore, it has been classified as a Variant of Uncertain Significance.